The following is an entry in ClinVar:

ClinVar aggregate classification (germline): Pathogenic/Likely pathogenic. Review status: criteria provided, multiple submitters, no conflicts (2 of 4 stars). 3 submissions from 3 submitters: Pathogenic (2); Likely pathogenic (1). Last evaluated 2026-01-26.

Conditions:
Usher syndrome type 2A. Also called: RETINAL DISEASE IN USHER SYNDROME TYPE IIA, MODIFIER OF; USHER SYNDROME, TYPE IIA. Identifiers: Orphanet 231178, Orphanet 886, MedGen C1848634, MONDO:0010169, OMIM 276901.
Retinitis pigmentosa 39 (RP39). Identifiers: Orphanet 791, MedGen C3151138, MONDO:0013436, OMIM 613809.

Submissions (3):

Medical and Scientific Branch, Hong Kong Genome Institute
Classification: Pathogenic for Usher syndrome type 2A. Last evaluated: 2026-01-26. Review status: criteria provided, single submitter. Criteria: ACMG Guidelines, 2015. Collection method: clinical testing. Allele origin: unknown. Affected: yes.

SingHealth Duke-NUS Institute of Precision Medicine
Classification: Likely pathogenic for Retinitis pigmentosa 39. Last evaluated: 2025-02-05. Review status: criteria provided, single submitter. Criteria: PRISM ACMG Classification Criteria. Collection method: clinical testing. Allele origin: germline. Affected: yes.
Comment: Variant is predicted to cause nonsense-mediated decay in a gene where LOF is a known cause of pathogenicity (PVS1). Variant is not found in gnomAD genomes and exomes (PM2).

Labcorp Genetics (formerly Invitae), Labcorp
Classification: Pathogenic. Last evaluated: 2019-08-05. Review status: criteria provided, single submitter. Criteria: Invitae Variant Classification Sherloc (09022015). Collection method: clinical testing. Allele origin: germline.
Comment: For these reasons, this variant has been classified as Pathogenic. This sequence change creates a premature translational stop signal (p.Leu150*) in the USH2A gene. It is expected to result in an absent or disrupted protein product. This variant is not present in population databases (ExAC no frequency). This variant has not been reported in the literature in individuals with USH2A-related conditions. Loss-of-function variants in USH2A are known to be pathogenic (PMID: 10729113, 10909849, 20507924, 25649381).

Literature cited by the submitters: PubMed 10729113 (cited by Labcorp Genetics (formerly Invitae), Labcorp); PubMed 10909849 (cited by Labcorp Genetics (formerly Invitae), Labcorp); PubMed 20507924 (cited by Labcorp Genetics (formerly Invitae), Labcorp); PubMed 25649381 (cited by Labcorp Genetics (formerly Invitae), Labcorp).

NM_206933.4(USH2A):c.449T>G (p.Leu150Ter)

Gene: USH2A (usherin; minus strand). Cytogenetic location: 1q41.
Variant type: single nucleotide variant.
Coding change: c.449T>G on transcript NM_206933.4 (MANE Select); coding-DNA position 449, T replaced by G.
Protein change: p.Leu150Ter; replaces leucine 150 with a stop codon.
Molecular consequence: nonsense.
Genome position (GRCh38, 1-based): chr1:216,421,888, A>C on the plus strand (T>G on the coding strand, the complement: USH2A is on the minus strand). VCF-style: chr1-216421888-A-C. GRCh37 (hg19) VCF-style: chr1-216595230-A-C.
Other names: c.449T>G, p.Leu150Ter (NM_007123.6); short protein forms L150*.
Identifiers: ClinVar variation 964111 (VCV000964111.8), dbSNP rs1553258037, ClinGen allele CA344903761.